The following is an entry in ClinVar:

ClinVar aggregate classification (germline): Uncertain significance (1 of 4 stars; one submission).

Conditions:
Inborn genetic diseases. Identifiers: MedGen C0950123, MeSH D030342.

gnomAD v4.1: 17 of 1,612,026 alleles (0.0011%); highest among the groups gnomAD compares: Non-Finnish European, 0.0014%; no homozygotes.

Submission:

Ambry Genetics
Classification: Uncertain significance for Inborn genetic diseases. Last evaluated: 2017-07-11. Review status: criteria provided, single submitter. Criteria: Ambry Variant Classification Scheme 2023. Collection method: clinical testing. Allele origin: germline.
Comment: The p.K1123N variant (also known as c.3369A>T), located in coding exon 31 of the PLCB1 gene, results from an A to T substitution at nucleotide position 3369. The lysine at codon 1123 is replaced by asparagine, an amino acid with similar properties. This amino acid position is not well conserved in available vertebrate species. In addition, this alteration is predicted to be tolerated by in silico analysis. Since supporting evidence is limited at this time, the clinical significance of this alteration remains unclear.

NM_015192.4(PLCB1):c.3369A>T (p.Lys1123Asn)

Gene: PLCB1 (phospholipase C beta 1; plus strand). Cytogenetic location: 20p12.3.
Variant type: single nucleotide variant.
Coding change: c.3369A>T on transcript NM_015192.4 (MANE Select); coding-DNA position 3369, A replaced by T.
Protein change: p.Lys1123Asn; replaces lysine 1123 with asparagine.
Molecular consequence: missense variant.
Genome position (GRCh38, 1-based): chr20:8,790,207, A>T. VCF-style: chr20-8790207-A-T. GRCh37 (hg19) VCF-style: chr20-8770854-A-T.
Other names: c.3369A>T, p.Lys1123Asn (NM_182734.3); short protein forms K1123N.
Identifiers: ClinVar variation 1730686 (VCV001730686.2), dbSNP rs2514449308, ClinGen allele CA408210080.